The following is an entry in ClinVar:

ClinVar aggregate classification (germline): Likely benign (0 of 4 stars; one submission).

Conditions:
DISP3-related disorder. Also called: DISP3-related condition.

Allele frequency attached by ClinVar (database versions not stated): gnomAD 0.00006; gnomAD exomes 0.00006; ExAC 0.00018; 1000 Genomes Project 30x 0.00047; 1000 Genomes Project 0.00060.
gnomAD v4.1: 102 of 1,614,206 alleles (0.0063%); highest among the groups gnomAD compares: South Asian, 0.1%; no homozygotes.

Submission:

PreventionGenetics, part of Exact Sciences
Classification: Likely benign for DISP3-related condition. Last evaluated: 2019-05-24. Review status: no assertion criteria provided. Collection method: clinical testing. Allele origin: germline.
Comment: This variant is classified as likely benign based on ACMG/AMP sequence variant interpretation guidelines (Richards et al. 2015 PMID: 25741868, with internal and published modifications).

NM_020780.2(DISP3):c.1698C>T (p.Phe566=)

Gene: DISP3 (dispatched RND transporter family member 3; plus strand). Cytogenetic location: 1p36.22.
Variant type: single nucleotide variant.
Coding change: c.1698C>T on transcript NM_020780.2 (MANE Select); coding-DNA position 1698, C replaced by T.
Protein change: p.Phe566=; no amino-acid change (phenylalanine 566 retained).
Molecular consequence: synonymous variant.
Genome position (GRCh38, 1-based): chr1:11,516,110, C>T. VCF-style: chr1-11516110-C-T. GRCh37 (hg19) VCF-style: chr1-11576167-C-T.
Identifiers: ClinVar variation 3039428 (VCV003039428.2), dbSNP rs576463466, ClinGen allele CA591723.